The following is an entry in ClinVar:

NM_016263.4(FZR1):c.984C>T (p.Leu328=)

Gene: FZR1 (fizzy and cell division cycle 20 related 1; plus strand). Cytogenetic location: 19p13.3.
Variant type: single nucleotide variant.
Coding change: c.984C>T on transcript NM_016263.4 (MANE Select); coding-DNA position 984, C replaced by T.
Protein change: p.Leu328=; no amino-acid change (leucine 328 retained).
Molecular consequence: synonymous variant.
Genome position (GRCh38, 1-based): chr19:3,532,071, C>T. VCF-style: chr19-3532071-C-T. GRCh37 (hg19) VCF-style: chr19-3532069-C-T.
Other names: c.717C>T, p.Leu239= (NM_001136197.1); c.984C>T, p.Leu328= (NM_001136198.1).
Identifiers: ClinVar variation 4822063 (VCV004822063.4).

ClinVar aggregate classification (germline): Likely benign (1 of 4 stars; one submission).

gnomAD v4.1: 27 of 1,520,454 alleles (0.0018%); highest among the groups gnomAD compares: Admixed American, 0.038%; no homozygotes.

Submission:

CeGaT Center for Human Genetics Tuebingen
Classification: Likely benign. Last evaluated: 2026-02-01. Review status: criteria provided, single submitter. Criteria: CeGaT Center For Human Genetics Tuebingen Variant Classification Criteria Version 2. Collection method: clinical testing. Allele origin: germline. Affected: yes. Observed: 1 variant allele.
Comment: FZR1: BP4, BP7